The following is an entry in ClinVar:

NM_138927.4(SON):c.2275A>G (p.Ser759Gly)

Gene: SON (SON DNA and RNA binding protein; plus strand). Cytogenetic location: 21q22.11.
Variant type: single nucleotide variant.
Coding change: c.2275A>G on transcript NM_138927.4 (MANE Select); coding-DNA position 2275, A replaced by G.
Protein change: p.Ser759Gly; replaces serine 759 with glycine.
Molecular consequence: missense variant. On other transcripts: non-coding transcript variant (1), intron variant (1).
Genome position (GRCh38, 1-based): chr21:33,551,506, A>G. VCF-style: chr21-33551506-A-G. GRCh37 (hg19) VCF-style: chr21-34923812-A-G.
Other names: c.2275A>G, p.Ser759Gly (NM_001291411.2, NM_001412133.1, NM_032195.3 and 2 more transcripts); c.244+5127A>G (NM_001291412.3); short protein forms S759G.
Identifiers: ClinVar variation 2063915 (VCV002063915.4), dbSNP rs778938099, ClinGen allele CA10009076.

ClinVar aggregate classification (germline): Uncertain significance (1 of 4 stars; one submission).

Allele frequency attached by ClinVar (database versions not stated): gnomAD exomes below 0.00001; ExAC 0.00001.
gnomAD v4.1: 5 of 1,614,094 alleles (0.00031%); highest among the groups gnomAD compares: South Asian, 0.0011%; no homozygotes.

Submission:

Labcorp Genetics (formerly Invitae), Labcorp
Classification: Uncertain significance. Last evaluated: 2022-08-16. Review status: criteria provided, single submitter. Criteria: Invitae Variant Classification Sherloc (09022015). Collection method: clinical testing. Allele origin: germline.
Comment: In summary, the available evidence is currently insufficient to determine the role of this variant in disease. Therefore, it has been classified as a Variant of Uncertain Significance. Algorithms developed to predict the effect of missense changes on protein structure and function are either unavailable or do not agree on the potential impact of this missense change (SIFT: "Deleterious"; PolyPhen-2: "Probably Damaging"; Align-GVGD: "Class C0"). This variant has not been reported in the literature in individuals affected with SON-related conditions. This variant is present in population databases (rs778938099, gnomAD 0.003%). This sequence change replaces serine, which is neutral and polar, with glycine, which is neutral and non-polar, at codon 759 of the SON protein (p.Ser759Gly).